The following is an entry in ClinVar:

NM_194454.3(KRIT1):c.2025+3A>G

Gene: KRIT1 (KRIT1 ankyrin repeat containing; minus strand). Cytogenetic location: 7q21.2.
Variant type: single nucleotide variant.
Coding change: c.2025+3A>G on transcript NM_194454.3 (MANE Select); 3 bases into the intron after coding-DNA position 2025, A replaced by G.
Molecular consequence: intron variant.
Genome position (GRCh38, 1-based): chr7:92,213,192, T>C on the plus strand (A>G on the coding strand, the complement: KRIT1 is on the minus strand). VCF-style: chr7-92213192-T-C. GRCh37 (hg19) VCF-style: chr7-91842506-T-C.
Other names: c.2025+3A>G (NM_001350672.1, NM_001350676.1, NM_001350673.1 and 26 more transcripts); c.1881+3A>G (NM_001350669.1, NM_001013406.2, NM_001350670.1); c.1311+3A>G (NM_001350671.1).
Identifiers: ClinVar variation 1967237 (VCV001967237.8), dbSNP rs367615006, ClinGen allele CA4338984.

ClinVar aggregate classification (germline): Uncertain significance. Review status: criteria provided, multiple submitters, no conflicts (2 of 4 stars). 4 submissions from 4 submitters: Uncertain significance (4). Last evaluated 2026-02-18.

Conditions:
Inborn genetic diseases. Identifiers: MedGen C0950123, MeSH D030342.
Cerebral cavernous malformation (CCM). Also called: CAVERNOUS ANGIOMA, FAMILIAL; CAVERNOUS ANGIOMATOUS MALFORMATIONS; CEREBRAL CAPILLARY MALFORMATIONS; Cerebral cavernous malformations; Cavernous Hemangioma of Brain; Cerebral cavernous hemangioma (type). Identifiers: Orphanet 221061, MedGen C2919945, MONDO:0000820, OMIM 116860, HP:0033522.

Allele frequency attached by ClinVar (database versions not stated): gnomAD exomes 0.00001; ExAC 0.00006; gnomAD 0.00007; ESP Exome Variant Server 0.00015; TOPMed 0.00016.
gnomAD v4.1: 27 of 1,594,190 alleles (0.0017%); highest among the groups gnomAD compares: Admixed American, 0.018%; no homozygotes.

Submissions (4):

Women's Health and Genetics/Laboratory Corporation of America, LabCorp
Classification: Uncertain significance. Last evaluated: 2026-02-18. Review status: criteria provided, single submitter. Criteria: LabCorp Variant Classification Summary - May 2015. Collection method: clinical testing. Allele origin: germline.
Comment: Variant summary: KRIT1 c.2025+3A>G alters a conserved nucleotide located close to a canonical splice site and therefore could affect mRNA splicing, leading to a significantly altered protein sequence. Several computational tools predict a significant impact on normal splicing: One predict the variant abolishes a 5' splicing donor site. One predict the variant weakens a 5' donor site. One predict the variant no significant impact on splicing. However, these predictions have yet to be confirmed by functional studies. The variant allele was found at a frequency of 6e-05 in 249860 control chromosomes. This frequency is not significantly higher than estimated for disease-causing variants in KRIT1, allowing no conclusion about variant significance. To our knowledge, no occurrence of c.2025+3A>G in individuals affected with KRIT1-related conditions and no experimental evidence demonstrating its impact on protein function have been reported. ClinVar contains an entry for this variant (Variation ID: 1967237). Based on the evidence outlined above, the variant was classified as uncertain significance.

Clinical Genomics Laboratory, Washington University in St. Louis
Classification: Uncertain significance for Cerebral cavernous malformation. Last evaluated: 2025-06-24. Review status: criteria provided, single submitter. Criteria: ACMG Guidelines, 2015. Collection method: clinical testing. Allele origin: germline.
Comment: A KRIT1 c.2025+3A>G variant was identified at a near heterozygous allelic fraction of 47.3%, a frequency which may be consistent with it being of germline origin. This variant, to our knowledge, has not been reported in the medical literature. It is observed in 27/1,594,190 alleles in the general population (gnomAD v4.1.0). It has been reported as a variant of uncertain significance in a germline state by two submitters in the ClinVar database (ClinVar ID: 1967237). Computational predictors indicate that this variant would alter splicing, evidence that correlates to an impact of this variant on KRIT1 function. Due to limited information, and based on ACMG/AMP guidelines for variant interpretation (Richards S et al., PMID: 25741868), the clinical significance of the KRIT1 c.2025+3A>G variant is uncertain at this time.

Labcorp Genetics (formerly Invitae), Labcorp
Classification: Uncertain significance for Cerebral cavernous malformation. Last evaluated: 2024-02-25. Review status: criteria provided, single submitter. Criteria: Invitae Variant Classification Sherloc (09022015). Collection method: clinical testing. Allele origin: germline.
Comment: This sequence change falls in intron 18 of the KRIT1 gene. It does not directly change the encoded amino acid sequence of the KRIT1 protein. It affects a nucleotide within the consensus splice site. This variant is present in population databases (rs367615006, gnomAD 0.02%). This variant has not been reported in the literature in individuals affected with KRIT1-related conditions. ClinVar contains an entry for this variant (Variation ID: 1967237). Variants that disrupt the consensus splice site are a relatively common cause of aberrant splicing (PMID: 17576681, 9536098). Algorithms developed to predict the effect of sequence changes on RNA splicing suggest that this variant may disrupt the consensus splice site. In summary, the available evidence is currently insufficient to determine the role of this variant in disease. Therefore, it has been classified as a Variant of Uncertain Significance.

Ambry Genetics
Classification: Uncertain significance for Inborn genetic diseases. Last evaluated: 2021-04-02. Review status: criteria provided, single submitter. Criteria: Ambry Variant Classification Scheme 2023. Collection method: clinical testing. Allele origin: germline.
Comment: The c.2025+3A>G intronic alteration consists of an A to G substitution 3 nucleotides after exon 18 (coding exon 14) of the KRIT1 gene. Based on insufficient or conflicting evidence, the clinical significance of this alteration remains unclear.

Literature cited by the submitters: PubMed 17576681 (cited by Labcorp Genetics (formerly Invitae), Labcorp); PubMed 9536098 (cited by Labcorp Genetics (formerly Invitae), Labcorp).